The following is an entry in ClinVar:

NM_003200.5(TCF3):c.1057C>T (p.Pro353Ser)

Gene: TCF3 (transcription factor 3; minus strand). Cytogenetic location: 19p13.3.
Variant type: single nucleotide variant.
Coding change: c.1057C>T on transcript NM_003200.5 (MANE Select); coding-DNA position 1057, C replaced by T.
Protein change: p.Pro353Ser; replaces proline 353 with serine.
Molecular consequence: missense variant.
Genome position (GRCh38, 1-based): chr19:1,621,004, G>A on the plus strand (C>T on the coding strand, the complement: TCF3 is on the minus strand). VCF-style: chr19-1621004-G-A. GRCh37 (hg19) VCF-style: chr19-1621003-G-A.
Other names: c.1057C>T, p.Pro353Ser (NM_001136139.4, NM_001351778.2, NM_001351779.2); c.1057C>T (NM_003200.3); short protein forms P353S.
Identifiers: ClinVar variation 1912885 (VCV001912885.6), dbSNP rs1358474096, ClinGen allele CA403054109.

ClinVar aggregate classification (germline): Uncertain significance. Review status: criteria provided, multiple submitters, no conflicts (2 of 4 stars). 2 submissions from 2 submitters: Uncertain significance (2). Last evaluated 2025-11-03.

Conditions:
Inborn genetic diseases. Identifiers: MedGen C0950123, MeSH D030342.

Allele frequency attached by ClinVar (database versions not stated): gnomAD exomes 0.00001; TOPMed 0.00001.
gnomAD v4.1: 20 of 1,520,910 alleles (0.0013%); highest among the groups gnomAD compares: Admixed American, 0.0091%; 1 homozygote.

Submissions (2):

Labcorp Genetics (formerly Invitae), Labcorp
Classification: Uncertain significance. Last evaluated: 2025-11-03. Review status: criteria provided, single submitter. Criteria: Invitae Variant Classification Sherloc (09022015). Collection method: clinical testing. Allele origin: germline.
Comment: This sequence change replaces proline, which is neutral and non-polar, with serine, which is neutral and polar, at codon 353 of the TCF3 protein (p.Pro353Ser). The frequency data for this variant in the population databases is considered unreliable, as metrics indicate poor data quality at this position in the gnomAD database. This variant has not been reported in the literature in individuals affected with TCF3-related conditions. ClinVar contains an entry for this variant (Variation ID: 1912885). Invitae Evidence Modeling of protein sequence and biophysical properties (such as structural, functional, and spatial information, amino acid conservation, physicochemical variation, residue mobility, and thermodynamic stability) indicates that this missense variant is not expected to disrupt TCF3 protein function with a negative predictive value of 80%. In summary, the available evidence is currently insufficient to determine the role of this variant in disease. Therefore, it has been classified as a Variant of Uncertain Significance.

Ambry Genetics
Classification: Uncertain significance for Inborn genetic diseases. Last evaluated: 2024-03-27. Review status: criteria provided, single submitter. Criteria: Ambry Variant Classification Scheme 2023. Collection method: clinical testing. Allele origin: germline.